The following is an entry in ClinVar:

ClinVar aggregate classification (germline): Uncertain significance (1 of 4 stars; one submission).

Conditions:
Charcot-Marie-Tooth disease dominant intermediate B (CMTDIB). Also called: CHARCOT-MARIE-TOOTH NEUROPATHY, DOMINANT INTERMEDIATE B; Charcot-Marie-Tooth disease dominant intermediate 1; CMT DI1; Charcot-Marie-Tooth disease dominant intermediate I. Identifiers: Orphanet 100044, Orphanet 228179, MedGen C1847902, MONDO:0011674, OMIM 606482.

Submission:

Labcorp Genetics (formerly Invitae), Labcorp
Classification: Uncertain significance for Charcot-Marie-Tooth disease dominant intermediate B. Last evaluated: 2021-06-16. Review status: criteria provided, single submitter. Criteria: Invitae Variant Classification Sherloc (09022015). Collection method: clinical testing. Allele origin: germline.
Comment: This variant is a gross deletion of the genomic region encompassing exon(s) 2 of the DNM2 gene. This deletion is out-of-frame, and is expected to create a premature translational stop signal and result in an absent or disrupted protein product. However, the current clinical and genetic evidence is not sufficient to establish whether loss-of-function variants in DNM2 cause disease. This variant has not been reported in the literature in individuals with DNM2-related conditions. In summary, the available evidence is currently insufficient to determine the role of this variant in disease. Therefore, it has been classified as a Variant of Uncertain Significance.

NC_000019.9:g.(?_10870394)_(10870507_?)del

Gene: DNM2 (dynamin 2; plus strand). Cytogenetic location: 19p13.2.
Variant type: Deletion.
Identifiers: ClinVar variation 1496648 (VCV001496648.6).